The following is an entry in ClinVar:

NM_001018005.2(TPM1):c.644C>T (p.Ser215Leu)

Gene: TPM1 (tropomyosin 1; plus strand). Cytogenetic location: 15q22.2.
Variant type: single nucleotide variant.
Coding change: c.644C>T on transcript NM_001018005.2 (MANE Select); coding-DNA position 644, C replaced by T.
Protein change: p.Ser215Leu; replaces serine 215 with leucine.
Molecular consequence: missense variant.
Genome position (GRCh38, 1-based): chr15:63,062,219, C>T. VCF-style: chr15-63062219-C-T. GRCh37 (hg19) VCF-style: chr15-63354418-C-T.
Other names: p.S215L:TCG>TTG; c.644C>T, p.Ser215Leu (NM_000366.6, NM_001018004.2, NM_001018006.2 and 6 more transcripts); c.536C>T, p.Ser179Leu (NM_001018008.2, NM_001301289.2, NM_001330344.2 and 5 more transcripts); c.770C>T, p.Ser257Leu (NM_001365778.1); short protein forms S215L, S179L, S257L.
Identifiers: ClinVar variation 31883 (VCV000031883.35), dbSNP rs199476316, ClinGen allele CA018243.

ClinVar aggregate classification (germline): Pathogenic/Likely pathogenic. Review status: criteria provided, multiple submitters, no conflicts (2 of 4 stars). 9 submissions from 9 submitters: Pathogenic (4); Likely pathogenic (3). 2 of the submissions do not count toward it. Last evaluated 2025-05-06.

Conditions:
Cardiovascular phenotype. Identifiers: MedGen CN230736.
Cardiomyopathy (CMYO). Also called: Cardiomyopathies. Identifiers: Orphanet 167848, MedGen C0878544, MONDO:0004994, HP:0001638. Inheritance: Various modes of inheritance.
Dilated cardiomyopathy 1Y (CMD1Y). Identifiers: Orphanet 154, Orphanet 54260, MedGen C2678476, MONDO:0012744, OMIM 611878.
Hypertrophic cardiomyopathy. Also called: HYPERTROPHIC MYOCARDIOPATHY. Identifiers: Orphanet 217569, MedGen C0007194, MeSH D002312, MONDO:0005045, HP:0001639.

Allele frequency attached by ClinVar (database versions not stated): gnomAD 0.00001; ExAC 0.00001; gnomAD exomes below 0.00001.
gnomAD v4.1: 2 of 1,613,842 alleles (0.00012%); highest among the groups gnomAD compares: Admixed American, 0.0017%; no homozygotes.

Submissions (9):

Labcorp Genetics (formerly Invitae), Labcorp
Classification: Pathogenic for Hypertrophic cardiomyopathy. Last evaluated: 2025-05-06. Review status: criteria provided, single submitter. Criteria: Invitae Variant Classification Sherloc (09022015). Collection method: clinical testing. Allele origin: germline.
Comment: This sequence change replaces serine, which is neutral and polar, with leucine, which is neutral and non-polar, at codon 215 of the TPM1 protein (p.Ser215Leu). This variant is present in population databases (rs199476316, gnomAD 0.0009%). This missense change has been observed in individuals with hypertrophic cardiomyopathy (HCM) (PMID: 18403758, 23204897, 25607779, 27600940). It has also been observed to segregate with disease in related individuals. ClinVar contains an entry for this variant (Variation ID: 31883). An algorithm developed to predict the effect of missense changes on protein structure and function (PolyPhen-2) suggests that this variant is likely to be disruptive. Experimental studies have shown that this missense change affects TPM1 function (PMID: 23700264, 25548289). For these reasons, this variant has been classified as Pathogenic.

GeneDx
Classification: Pathogenic. Last evaluated: 2024-08-12. Review status: criteria provided, single submitter. Criteria: GeneDx Variant Classification Process June 2021. Collection method: clinical testing. Allele origin: germline. Affected: yes.
Comment: Not observed at significant frequency in large population cohorts (gnomAD); Published in vitro functional studies demonstrated that p.(S215L) caused significantly reduced actin binding and increased calcium sensitivity, thus affecting the contractile properties of the tropomyosin protein (PMID: 25548289, 36896133); In silico analysis supports that this missense variant has a deleterious effect on protein structure/function; This variant is associated with the following publications: (PMID: 18403758, 23204897, 23700264, 26936621, 27600940, 25607779, 27532257, 29121657, 25548289, 31737537, 33673806, 36896133, 38958565, 37652022, 34011823, 36158814)

Ambry Genetics
Classification: Pathogenic for Cardiovascular phenotype. Last evaluated: 2024-04-24. Review status: criteria provided, single submitter. Criteria: Ambry Variant Classification Scheme 2023. Collection method: clinical testing. Allele origin: germline.
Comment: The p.S215L pathogenic mutation (also known as c.644C>T), located in coding exon 7 of the TPM1 gene, results from a C to T substitution at nucleotide position 644. The serine at codon 215 is replaced by leucine, an amino acid with dissimilar properties. This variant has been reported in multiple individuals with hypertrophic cardiomyopathy, and has been found to co-segregate with disease (Morita H et al. N. Engl. J. Med. 2008;358:1899-908, Rangaraju A et al. Exp Clin. Cardiol. 2012;17:26-9, Selvi Rani D et al. DNA Cell Biol. 2015;34:350-9, Bales ND et al. Pediatr. Cardiol. 2016;37:845-51). Patients who harbored this variant in the compound heterozygous state were noted to be more severely affected (Selvi Rani D et al. DNA Cell Biol. 2015;34:350-9). In an assay testing TPM1 function, this variant showed a functionally abnormal result (Gupte TM et al. J. Biol. Chem. 2015;290:7003-15). This amino acid position is highly conserved in available vertebrate species. In addition, this alteration is predicted to be deleterious by in silico analysis. This variant is considered to be rare based on population cohorts in the Genome Aggregation Database (gnomAD). Based on the supporting evidence, this alteration is interpreted as a disease-causing mutation.

Laboratory for Molecular Medicine, Mass General Brigham Personalized Medicine
Classification: Likely pathogenic for Hypertrophic cardiomyopathy. Last evaluated: 2020-11-02. Review status: criteria provided, single submitter. Criteria: ACMG Guidelines, 2015. Collection method: clinical testing. Allele origin: germline. Inheritance: Autosomal dominant inheritance.
Comment: The p.Ser215Leu variant in TPM1 has been reported in at least 7 individuals with HCM and segregated with disease in 6 individuals from 3 families (Morita 2008 PMID: 18403758, Rangaraju 2012 PMID: 23204897, Selvi Rani 2015 PMID: 25607779, Cecconi 2016 PMID: 27600940, Walsh 2017 PMID: 27532257, Viswanathan 2017 PMID: 29121657, Bales 2016 PMID: 26936621). In at least three families with early onset disease, this variant was identified in conjunction with a second pathogenic variant associated to cardiomyopathy, and one individual had cardiomyopathy while only harboring the second variant and not the p.Ser215Leu variant. This variant has also been reported by other clinical laboratories in ClinVar (Variation ID 31883) and has also been identified in 0.0009% (1/113564) of European chromosomes by gnomAD. In vitro functional studies provide some evidence that this variant impacts protein function (Gupte 2015 PMID: 25548289); and computational prediction tools and conservation analyses suggest that this variant may impact the protein. In summary, although additional studies are required to fully establish its clinical significance, this variant meets criteria to be classified as likely pathogenic for autosomal dominant hypertrophic cardiomyopathy. ACMG/AMP Criteria applied: PM2_supporting, PS4_Moderate, PP3, PS3_Supporting, PP1_Moderate.

CHEO Genetics Diagnostic Laboratory, Children's Hospital of Eastern Ontario
Classification: Likely pathogenic for Cardiomyopathy. Last evaluated: 2017-08-01. Review status: criteria provided, single submitter. Criteria: ACMG Guidelines, 2015. Collection method: clinical testing. Allele origin: germline. Study: Canadian Open Genetics Repository.

Stanford Center for Inherited Cardiovascular Disease, Stanford University
Classification: Likely pathogenic. Last evaluated: 2016-08-17. Review status: criteria provided, single submitter. Criteria: ACMG Guidelines, 2015. Collection method: provider interpretation. Allele origin: germline.

KTest Genetics, KTest
Classification: Pathogenic for Dilated cardiomyopathy 1Y. Review status: criteria provided, single submitter. Criteria: ACMG Guidelines, 2015. Collection method: clinical testing. Allele origin: germline. Affected: yes.

Leiden Muscular Dystrophy (TPM1)
No classification provided. Last evaluated: 2012-04-15. Review status: no classification provided. Collection method: curation. Allele origin: germline. Not counted in ClinVar's aggregate classification.

Evolutionary and Medical Genetics Laboratory,  Centre for Cellular and Molecular Biology
Classification: Likely pathogenic. Review status: no assertion criteria provided. Collection method: not provided. Allele origin: germline. Not counted in ClinVar's aggregate classification.
Comment: Non synonymous
ClinVar note: Converted during submission from probable-pathogenic to Likely pathogenic.

Literature cited by the submitters: PubMed 18403758 (cited by 3 submitters); PubMed 23204897 (cited by 3 submitters); PubMed 25607779 (cited by 3 submitters); PubMed 27600940 (cited by 3 submitters); PubMed 23700264 (cited by Labcorp Genetics (formerly Invitae), Labcorp); PubMed 25548289 (cited by 3 submitters); PubMed 26936621 (cited by Ambry Genetics and Laboratory for Molecular Medicine, Mass General Brigham Personalized Medicine); PubMed 27532257 (cited by Ambry Genetics and Laboratory for Molecular Medicine, Mass General Brigham Personalized Medicine); PubMed 28138913 (cited by Ambry Genetics); PubMed 29121657 (cited by Ambry Genetics and Laboratory for Molecular Medicine, Mass General Brigham Personalized Medicine).